The following is an entry in ClinVar:

NM_004859.4(CLTC):c.2225AAG[1] (p.Glu743del)

Gene: CLTC (clathrin heavy chain; plus strand). Cytogenetic location: 17q23.1.
Variant type: Microsatellite.
Coding change: c.2225AAG[1] on transcript NM_004859.4 (MANE Select); one copy of the 3-base unit AAG starting at c.2225; the reference has two copies in a row; one copy, 3 bases deleted.
Protein change: p.Glu743del; deletes glutamic acid 743.
Molecular consequence: inframe deletion.
Genome position (GRCh38, 1-based): chr17:59,668,876-59,668,878, AAG deleted; deleting any 3 consecutive bases within chr17:59,668,873-59,668,878 gives the same sequence; the position shown is the placement nearest the transcript's 3' end. VCF-style (leftmost placement, unchanged base first): chr17-59668872-AAAG-A. GRCh37 (hg19) VCF-style: chr17-57746233-AAAG-A.
Other names: c.2237AAG[1], p.Glu747del (NM_001288653.2); short protein forms E743del, E747del.
Identifiers: ClinVar variation 4690101 (VCV004690101.1).

ClinVar aggregate classification (germline): Uncertain significance (1 of 4 stars; one submission).

Submission:

GeneDx
Classification: Uncertain significance. Last evaluated: 2025-08-02. Review status: criteria provided, single submitter. Criteria: GeneDx Variant Classification Process June 2021. Collection method: clinical testing. Allele origin: germline. Affected: yes.
Comment: Not observed at significant frequency in large population cohorts (gnomAD); In-frame deletion of 1 amino acid(s) in a non-repeat region; In silico analysis supports a deleterious effect on protein structure/function; Has not been previously published as pathogenic or benign to our knowledge